The following is an entry in ClinVar:

ClinVar aggregate classification (germline): Likely benign. Review status: criteria provided, multiple submitters, no conflicts (2 of 4 stars). 3 submissions from 3 submitters: Likely benign (3). Last evaluated 2024-05-07.

Allele frequency attached by ClinVar (database versions not stated): gnomAD 0.00003 and 0.00004; ExAC 0.00004; gnomAD exomes 0.00004; TOPMed 0.00004.
gnomAD v4.1: 59 of 1,614,070 alleles (0.0037%); highest among the groups gnomAD compares: Middle Eastern, 0.033%; no homozygotes.

Submissions (3):

Labcorp Genetics (formerly Invitae), Labcorp
Classification: Likely benign. Last evaluated: 2024-05-07. Review status: criteria provided, single submitter. Criteria: Invitae Variant Classification Sherloc (09022015). Collection method: clinical testing. Allele origin: germline.

Blueprint Genetics
Classification: Likely benign. Last evaluated: 2022-10-13. Review status: criteria provided, single submitter. Criteria: ACMG Guidelines, 2015. Collection method: clinical testing. Allele origin: germline.

CeGaT Center for Human Genetics Tuebingen
Classification: Likely benign. Last evaluated: 2022-09-01. Review status: criteria provided, single submitter. Criteria: CeGaT Center For Human Genetics Tuebingen Variant Classification Criteria Version 2. Collection method: clinical testing. Allele origin: germline. Affected: yes. Observed: 1 variant allele.
Comment: FAT2: BP4, BP7

NM_001447.3(FAT2):c.8271C>T (p.His2757=)

Genes: FAT2 (FAT atypical cadherin 2; minus strand), SLC36A1 (solute carrier family 36 member 1; plus strand). Cytogenetic location: 5q33.1.
Variant type: single nucleotide variant.
Coding change: c.8271C>T on transcript NM_001447.3 (MANE Select); coding-DNA position 8271, C replaced by T.
Protein change: p.His2757=; no amino-acid change (histidine 2757 retained).
Molecular consequence: synonymous variant.
Genome position (GRCh38, 1-based): chr5:151,542,856, G>A on the plus strand (C>T on the coding strand, the complement: FAT2 is on the minus strand). VCF-style: chr5-151542856-G-A. GRCh37 (hg19) VCF-style: chr5-150922417-G-A.
Identifiers: ClinVar variation 749597 (VCV000749597.30), dbSNP rs749656015, ClinGen allele CA3520825.